The following is an entry in ClinVar:

NM_025074.7(FRAS1):c.10970C>T (p.Pro3657Leu)

Genes: FRAS1 (Fraser extracellular matrix complex subunit 1; plus strand), LOC126807089 (CDK7 strongly-dependent group 2 enhancer GRCh37_chr4:79455131-79456330; plus strand). Cytogenetic location: 4q21.21.
Variant type: single nucleotide variant.
Coding change: c.10970C>T on transcript NM_025074.7 (MANE Select); coding-DNA position 10970, C replaced by T.
Protein change: p.Pro3657Leu; replaces proline 3657 with leucine.
Molecular consequence: missense variant.
Genome position (GRCh38, 1-based): chr4:78,534,493, C>T. VCF-style: chr4-78534493-C-T. GRCh37 (hg19) VCF-style: chr4-79455647-C-T.
Other names: short protein forms P3657L.
Identifiers: ClinVar variation 1719234 (VCV001719234.5), dbSNP rs2475847559, ClinGen allele CA357396302.

ClinVar aggregate classification (germline): Uncertain significance (1 of 4 stars; one submission).

Submission:

Labcorp Genetics (formerly Invitae), Labcorp
Classification: Uncertain significance. Last evaluated: 2023-09-11. Review status: criteria provided, single submitter. Criteria: Invitae Variant Classification Sherloc (09022015). Collection method: clinical testing. Allele origin: germline.
Comment: This sequence change replaces proline, which is neutral and non-polar, with leucine, which is neutral and non-polar, at codon 3657 of the FRAS1 protein (p.Pro3657Leu). In summary, the available evidence is currently insufficient to determine the role of this variant in disease. Therefore, it has been classified as a Variant of Uncertain Significance. Advanced modeling of protein sequence and biophysical properties (such as structural, functional, and spatial information, amino acid conservation, physicochemical variation, residue mobility, and thermodynamic stability) performed at Invitae indicates that this missense variant is expected to disrupt FRAS1 protein function. ClinVar contains an entry for this variant (Variation ID: 1719234). This variant has not been reported in the literature in individuals affected with FRAS1-related conditions. This variant is not present in population databases (gnomAD no frequency).